The following is an entry in ClinVar:

NM_015231.3(NUP160):c.2176C>T (p.Gln726Ter)

Gene: NUP160 (nucleoporin 160; minus strand). Cytogenetic location: 11p11.2.
Variant type: single nucleotide variant.
Coding change: c.2176C>T on transcript NM_015231.3 (MANE Select); coding-DNA position 2176, C replaced by T.
Protein change: p.Gln726Ter; replaces glutamine 726 with a stop codon.
Molecular consequence: nonsense. On other transcripts: non-coding transcript variant (1).
Genome position (GRCh38, 1-based): chr11:47,808,493, G>A on the plus strand (C>T on the coding strand, the complement: NUP160 is on the minus strand). VCF-style: chr11-47808493-G-A. GRCh37 (hg19) VCF-style: chr11-47830045-G-A.
Other names: short protein forms Q726*.
Identifiers: ClinVar variation 3350543 (VCV003350543.1).

ClinVar aggregate classification (germline): Likely pathogenic (0 of 4 stars; one submission).

Conditions:
NUP160-related disorder. Also called: NUP160-related condition.

Submission:

PreventionGenetics, part of Exact Sciences
Classification: Likely pathogenic for NUP160-related condition. Last evaluated: 2024-08-16. Review status: no assertion criteria provided. Collection method: clinical testing. Allele origin: germline.
Comment: The NUP160 c.2278C>T variant is predicted to result in premature protein termination (p.Gln760*). To our knowledge, this variant has not been reported in the literature or in a large population database, indicating this variant is rare. Nonsense variants in NUP160 are expected to be pathogenic. This variant is interpreted as likely pathogenic.